The following is an entry in ClinVar:

ClinVar aggregate classification (germline): Likely pathogenic. Review status: criteria provided, single submitter (1 of 4 stars). 2 submissions from 2 submitters: Likely pathogenic (1). 1 of the submissions does not count toward it. Last evaluated 2023-12-21.

Conditions:
DNAH5-related disorder. Also called: DNAH5-related condition.
Primary ciliary dyskinesia. Also called: Ciliary dyskinesia. Identifiers: Orphanet 244, MedGen C0008780, MONDO:0016575, HP:0012265.

Allele frequency attached by ClinVar (database versions not stated): gnomAD 0.00001; TOPMed 0.00001.
gnomAD v4.1: 2 of 1,613,808 alleles (0.00012%); highest among the groups gnomAD compares: African/African-American, 0.0027%; no homozygotes.

Submissions (2):

Labcorp Genetics (formerly Invitae), Labcorp
Classification: Likely pathogenic for Primary ciliary dyskinesia. Last evaluated: 2023-12-21. Review status: criteria provided, single submitter. Criteria: Invitae Variant Classification Sherloc (09022015). Collection method: clinical testing. Allele origin: germline.
Comment: This sequence change affects an acceptor splice site in intron 47 of the DNAH5 gene. It is expected to disrupt RNA splicing. Variants that disrupt the donor or acceptor splice site typically lead to a loss of protein function (PMID: 16199547), and loss-of-function variants in DNAH5 are known to be pathogenic (PMID: 11788826, 16627867). This variant is present in population databases (no rsID available, gnomAD 0.01%). This variant has not been reported in the literature in individuals affected with DNAH5-related conditions. ClinVar contains an entry for this variant (Variation ID: 942784). Algorithms developed to predict the effect of sequence changes on RNA splicing suggest that this variant may disrupt the consensus splice site. In summary, the currently available evidence indicates that the variant is pathogenic, but additional data are needed to prove that conclusively. Therefore, this variant has been classified as Likely Pathogenic.

PreventionGenetics, part of Exact Sciences
Classification: Likely pathogenic for DNAH5-related condition. Last evaluated: 2024-07-17. Review status: no assertion criteria provided. Collection method: clinical testing. Allele origin: germline. Not counted in ClinVar's aggregate classification.
Comment: The DNAH5 c.7888-2A>G variant is predicted to disrupt the AG splice acceptor site and interfere with normal splicing. To our knowledge, this variant has not been reported in the literature. This variant is reported in 0.012% of alleles in individuals of African descent in gnomAD. Variants that disrupt the consensus splice acceptor site in DNAH5 are expected to be pathogenic. This variant is interpreted as likely pathogenic.

Literature cited by the submitters: PubMed 16199547 (cited by Labcorp Genetics (formerly Invitae), Labcorp); PubMed 11788826 (cited by Labcorp Genetics (formerly Invitae), Labcorp); PubMed 16627867 (cited by Labcorp Genetics (formerly Invitae), Labcorp).

NM_001369.3(DNAH5):c.7888-2A>G

Gene: DNAH5 (dynein axonemal heavy chain 5; minus strand). Cytogenetic location: 5p15.2.
Variant type: single nucleotide variant.
Coding change: c.7888-2A>G on transcript NM_001369.3 (MANE Select); the canonical splice acceptor site of the intron before coding-DNA position 7888, A replaced by G.
Molecular consequence: splice acceptor variant.
Genome position (GRCh38, 1-based): chr5:13,794,060, T>C on the plus strand (A>G on the coding strand, the complement: DNAH5 is on the minus strand). VCF-style: chr5-13794060-T-C. GRCh37 (hg19) VCF-style: chr5-13794169-T-C.
Identifiers: ClinVar variation 942784 (VCV000942784.9), dbSNP rs1230911299, ClinGen allele CA359222527.